The following is an entry in ClinVar:

ClinVar aggregate classification (germline): Uncertain significance (1 of 4 stars; one submission).

Submission:

GeneDx
Classification: Uncertain significance. Last evaluated: 2025-06-16. Review status: criteria provided, single submitter. Criteria: GeneDx Variant Classification Process June 2021. Collection method: clinical testing. Allele origin: germline. Affected: yes.
Comment: Not observed at significant frequency in large population cohorts (gnomAD); Frameshift variant predicted to result in protein truncation or nonsense mediated decay in a gene or region of a gene for which loss of function is not a well-established mechanism of disease; Has not been previously published as pathogenic or benign to our knowledge

NM_001387430.1(SH2B1):c.88dup (p.Cys30fs)

Gene: SH2B1 (SH2B adaptor protein 1; plus strand). Cytogenetic location: 16p11.2.
Variant type: Duplication.
Coding change: c.88dup on transcript NM_001387430.1 (MANE Select); coding-DNA position 88, one base duplicated (T; older notation c.88dupT).
Protein change: p.Cys30fs; shifts the reading frame from cysteine 30.
Molecular consequence: frameshift variant. On other transcripts: intron variant (1).
Genome position (GRCh38, 1-based): chr16:28,866,182, T duplicated. VCF-style (leftmost placement, unchanged base first): chr16-28866181-C-CT. GRCh37 (hg19) VCF-style: chr16-28877502-C-CT.
Other names: c.88dup, p.Cys30fs (NM_001145795.2, NM_001145796.2, NM_001145797.2 and 4 more transcripts); c.-26-1192dup (NM_001308294.2); short protein forms C30fs.
Identifiers: ClinVar variation 4538681 (VCV004538681.1).